The following is an entry in ClinVar:

ClinVar aggregate classification (germline): Uncertain significance (1 of 4 stars; one submission).

Submission:

GeneDx
Classification: Uncertain significance. Last evaluated: 2023-05-01. Review status: criteria provided, single submitter. Criteria: GeneDx Variant Classification Process June 2021. Collection method: clinical testing. Allele origin: germline. Affected: yes.
Comment: Not observed at significant frequency in large population cohorts (gnomAD); In silico analysis supports that this missense variant has a deleterious effect on protein structure/function; Has not been previously published as pathogenic or benign to our knowledge; This variant is associated with the following publications: (PMID: 26100331, 25609763, 25512093)

NM_001376.5(DYNC1H1):c.10885T>C (p.Phe3629Leu)

Gene: DYNC1H1 (dynein cytoplasmic 1 heavy chain 1; plus strand). Cytogenetic location: 14q32.31.
Variant type: single nucleotide variant.
Coding change: c.10885T>C on transcript NM_001376.5 (MANE Select); coding-DNA position 10885, T replaced by C.
Protein change: p.Phe3629Leu; replaces phenylalanine 3629 with leucine.
Molecular consequence: missense variant.
Genome position (GRCh38, 1-based): chr14:102,036,619, T>C. VCF-style: chr14-102036619-T-C. GRCh37 (hg19) VCF-style: chr14-102502956-T-C.
Other names: short protein forms F3629L.
Identifiers: ClinVar variation 2662905 (VCV002662905.1), dbSNP rs2503835892, ClinGen allele CA391030019.
Genomic context (GRCh38, chr14:102,036,619, plus strand): 5'-ATCACACGGACCAGCTTCCTGGATGACGCCTTCAGAAAGAACTTAGAGAGTGCACTGAGA[T>C]TCGGTAACCCCCTTCTGGTCCAGGTTGGTGTTGGCCTTTGAATTCTTGAAACACTGCATT-3'
Protein context (NP_001367.2, residues 3619-3639): FRKNLESALR[Phe3629Leu]GNPLLVQDVE